The following is an entry in ClinVar:

ClinVar aggregate classification (germline): Uncertain significance (1 of 4 stars; one submission).

gnomAD v4.1: 3 of 1,613,608 alleles (0.00019%); highest among the groups gnomAD compares: South Asian, 0.0033%; no homozygotes.

Submission:

GeneDx
Classification: Uncertain significance. Last evaluated: 2024-04-08. Review status: criteria provided, single submitter. Criteria: GeneDx Variant Classification Process June 2021. Collection method: clinical testing. Allele origin: germline. Affected: yes.
Comment: Not observed at significant frequency in large population cohorts (gnomAD); In silico analysis supports that this missense variant has a deleterious effect on protein structure/function; Has not been previously published as pathogenic or benign to our knowledge

NM_012062.5(DNM1L):c.163A>G (p.Thr55Ala)

Gene: DNM1L (dynamin 1 like; plus strand). Cytogenetic location: 12p11.21.
Variant type: single nucleotide variant.
Coding change: c.163A>G on transcript NM_012062.5 (MANE Select); coding-DNA position 163, A replaced by G.
Protein change: p.Thr55Ala; replaces threonine 55 with alanine.
Molecular consequence: missense variant. On other transcripts: 5 prime UTR variant (1).
Genome position (GRCh38, 1-based): chr12:32,701,475, A>G. VCF-style: chr12-32701475-A-G. GRCh37 (hg19) VCF-style: chr12-32854409-A-G.
Other names: c.163A>G, p.Thr55Ala (NM_001278463.2, NM_001278464.2, NM_001278465.2 and 3 more transcripts); c.-43A>G (NM_001278466.2); short protein forms T55A.
Identifiers: ClinVar variation 3372221 (VCV003372221.1).